The following is an entry in ClinVar:

ClinVar aggregate classification (germline): Uncertain significance. Review status: criteria provided, multiple submitters, no conflicts (2 of 4 stars). 2 submissions from 2 submitters: Uncertain significance (2). Last evaluated 2025-11-16.

Allele frequency attached by ClinVar (database versions not stated): ExAC 0.00002; TOPMed 0.00001; gnomAD 0.00003.
gnomAD v4.1: 15 of 1,614,056 alleles (0.00093%); highest among the groups gnomAD compares: African/African-American, 0.0053%; no homozygotes.

Submissions (2):

Labcorp Genetics (formerly Invitae), Labcorp
Classification: Uncertain significance. Last evaluated: 2025-11-16. Review status: criteria provided, single submitter. Criteria: Invitae Variant Classification Sherloc (09022015). Collection method: clinical testing. Allele origin: germline.
Comment: This sequence change replaces valine, which is neutral and non-polar, with methionine, which is neutral and non-polar, at codon 462 of the BUB1 protein (p.Val462Met). This variant is present in population databases (rs766709323, gnomAD 0.02%). This variant has not been reported in the literature in individuals affected with BUB1-related conditions. ClinVar contains an entry for this variant (Variation ID: 2464804). Experimental studies and prediction algorithms are not available or were not evaluated, and the functional significance of this variant is currently unknown. In summary, the available evidence is currently insufficient to determine the role of this variant in disease. Therefore, it has been classified as a Variant of Uncertain Significance.

Ambry Genetics
Classification: Uncertain significance. Last evaluated: 2022-12-11. Review status: criteria provided, single submitter. Criteria: Ambry Variant Classification Scheme 2023. Collection method: clinical testing. Allele origin: germline.
Comment: The p.V462M variant (also known as c.1384G>A), located in coding exon 12 of the BUB1 gene, results from a G to A substitution at nucleotide position 1384. The valine at codon 462 is replaced by methionine, an amino acid with highly similar properties. This amino acid position is conserved. In addition, the in silico prediction for this alteration is inconclusive. Since supporting evidence is limited at this time, the clinical significance of this alteration remains unclear.

NM_004336.5(BUB1):c.1384G>A (p.Val462Met)

Gene: BUB1 (BUB1 mitotic checkpoint serine/threonine kinase; minus strand). Cytogenetic location: 2q13.
Variant type: single nucleotide variant.
Coding change: c.1384G>A on transcript NM_004336.5 (MANE Select); coding-DNA position 1384, G replaced by A.
Protein change: p.Val462Met; replaces valine 462 with methionine.
Molecular consequence: missense variant.
Genome position (GRCh38, 1-based): chr2:110,658,635, C>T on the plus strand (G>A on the coding strand, the complement: BUB1 is on the minus strand). VCF-style: chr2-110658635-C-T. GRCh37 (hg19) VCF-style: chr2-111416212-C-T.
Other names: c.1324G>A, p.Val442Met (NM_001278616.2); c.1384G>A, p.Val462Met (NM_001278617.2); short protein forms V442M, V462M.
Identifiers: ClinVar variation 2464804 (VCV002464804.4), dbSNP rs766709323, ClinGen allele CA1828092.